The following is an entry in ClinVar:

ClinVar aggregate classification (germline): Uncertain significance. Review status: criteria provided, multiple submitters, no conflicts (2 of 4 stars). 2 submissions from 2 submitters: Uncertain significance (2). Last evaluated 2025-05-25.

Conditions:
Muscular dystrophy-dystroglycanopathy (congenital with brain and eye anomalies), type a, 8 (MDDGA8). Also called: WALKER-WARBURG SYNDROME OR MUSCLE-EYE-BRAIN DISEASE, GTDC2-RELATED. Identifiers: Orphanet 899, MedGen C3553813, MONDO:0013904, OMIM 614830.
Inborn genetic diseases. Identifiers: MedGen C0950123, MeSH D030342.

Allele frequency attached by ClinVar (database versions not stated): gnomAD 0.00002 and 0.00003; ExAC 0.00005; 1000 Genomes Project 30x 0.00016; TOPMed 0.00002; gnomAD exomes 0.00005 and 0.00002; 1000 Genomes Project 0.00020.
gnomAD v4.1: 39 of 1,614,210 alleles (0.0024%); highest among the groups gnomAD compares: Middle Eastern, 0.033%; no homozygotes.

Submissions (2):

Ambry Genetics
Classification: Uncertain significance for Inborn genetic diseases. Last evaluated: 2025-05-25. Review status: criteria provided, single submitter. Criteria: Ambry Variant Classification Scheme 2023. Collection method: clinical testing. Allele origin: germline.

Labcorp Genetics (formerly Invitae), Labcorp
Classification: Uncertain significance for Muscular dystrophy-dystroglycanopathy (congenital with brain and eye anomalies), type a, 8. Last evaluated: 2022-09-13. Review status: criteria provided, single submitter. Criteria: Invitae Variant Classification Sherloc (09022015). Collection method: clinical testing. Allele origin: germline.
Comment: This sequence change replaces valine, which is neutral and non-polar, with methionine, which is neutral and non-polar, at codon 535 of the POMGNT2 protein (p.Val535Met). This variant is present in population databases (rs376906501, gnomAD 0.05%). This variant has not been reported in the literature in individuals affected with POMGNT2-related conditions. ClinVar contains an entry for this variant (Variation ID: 1425903). Advanced modeling of protein sequence and biophysical properties (such as structural, functional, and spatial information, amino acid conservation, physicochemical variation, residue mobility, and thermodynamic stability) performed at Invitae indicates that this missense variant is not expected to disrupt POMGNT2 protein function. In summary, the available evidence is currently insufficient to determine the role of this variant in disease. Therefore, it has been classified as a Variant of Uncertain Significance.

NM_032806.6(POMGNT2):c.1603G>A (p.Val535Met)

Gene: POMGNT2 (protein O-linked mannose N-acetylglucosaminyltransferase 2 (beta 1,4-); minus strand). Cytogenetic location: 3p22.1.
Variant type: single nucleotide variant.
Coding change: c.1603G>A on transcript NM_032806.6 (MANE Select); coding-DNA position 1603, G replaced by A.
Protein change: p.Val535Met; replaces valine 535 with methionine.
Molecular consequence: missense variant.
Genome position (GRCh38, 1-based): chr3:43,079,829, C>T on the plus strand (G>A on the coding strand, the complement: POMGNT2 is on the minus strand). VCF-style: chr3-43079829-C-T. GRCh37 (hg19) VCF-style: chr3-43121321-C-T.
Other names: c.1603G>A (NM_032806.4); short protein forms V535M.
Identifiers: ClinVar variation 1425903 (VCV001425903.5), dbSNP rs376906501, ClinGen allele CA2339814.